The following is an entry in ClinVar:

ClinVar aggregate classification (germline): Uncertain significance (1 of 4 stars; one submission).

Submission:

Labcorp Genetics (formerly Invitae), Labcorp
Classification: Uncertain significance. Last evaluated: 2021-10-14. Review status: criteria provided, single submitter. Criteria: Invitae Variant Classification Sherloc (09022015). Collection method: clinical testing. Allele origin: germline.
Comment: In summary, the available evidence is currently insufficient to determine the role of this variant in disease. Therefore, it has been classified as a Variant of Uncertain Significance. Advanced modeling of protein sequence and biophysical properties (such as structural, functional, and spatial information, amino acid conservation, physicochemical variation, residue mobility, and thermodynamic stability) performed at Invitae indicates that this missense variant is not expected to disrupt COL11A2 protein function. This variant has not been reported in the literature in individuals affected with COL11A2-related conditions. This variant is not present in population databases (ExAC no frequency). This sequence change replaces arginine with glycine at codon 6 of the COL11A2 protein (p.Arg6Gly). The arginine residue is moderately conserved and there is a moderate physicochemical difference between arginine and glycine.

NM_080680.3(COL11A2):c.16C>G (p.Arg6Gly)

Gene: COL11A2 (collagen type XI alpha 2 chain; minus strand). Cytogenetic location: 6p21.32.
Variant type: single nucleotide variant.
Coding change: c.16C>G on transcript NM_080680.3 (MANE Select); coding-DNA position 16, C replaced by G.
Protein change: p.Arg6Gly; replaces arginine 6 with glycine.
Molecular consequence: missense variant.
Genome position (GRCh38, 1-based): chr6:33,192,225, G>C on the plus strand (C>G on the coding strand, the complement: COL11A2 is on the minus strand). VCF-style: chr6-33192225-G-C. GRCh37 (hg19) VCF-style: chr6-33160002-G-C.
Other names: c.16C>G, p.Arg6Gly (NM_001163771.2, NM_080679.3, NM_080681.3); short protein forms R6G.
Identifiers: ClinVar variation 1387014 (VCV001387014.6), dbSNP rs1773212111, ClinGen allele CA363615061.
Genomic context (GRCh38, chr6:33,192,225, plus strand): 5'-AGCCTGGGGCCGCGCTCAGCCCCAGCACCAGAGGTAGGAGGAGGAGGAGGCGATGGCAGC[G>C]GCTGCACCGCTCCATGGCTGAGAAGCCGAAACGCCGGGTCCCAGGGACCCAGGTCGGCCT-3'
Protein context (NP_542411.2, residues 1-16): MERCS[Arg6Gly]CHRLLLLLPL